The following is an entry in ClinVar:

NM_000016.6(ACADM):c.861_862insTGTATAAGAGACA (p.Ala288fs)

Gene: ACADM (acyl-CoA dehydrogenase medium chain; plus strand). Cytogenetic location: 1p31.1.
Variant type: Insertion.
Coding change: c.861_862insTGTATAAGAGACA on transcript NM_000016.6 (MANE Select); coding-DNA positions 861 to 862, TGTATAAGAGACA inserted.
Protein change: p.Ala288fs; shifts the reading frame from alanine 288.
Molecular consequence: frameshift variant.
Genome position: GRCh38 VCF-style: chr1-75750462-T-TTGTATAAGAGACA. GRCh37 (hg19) VCF-style: chr1-76216147-T-TTGTATAAGAGACA.
Other names: c.873_874insTGTATAAGAGACA, p.Ala292fs (NM_001127328.3); c.753_754insTGTATAAGAGACA, p.Ala252fs (NM_001286042.2); c.960_961insTGTATAAGAGACA, p.Ala321fs (NM_001286043.2); c.294_295insTGTATAAGAGACA, p.Ala99fs (NM_001286044.2); short protein forms A252fs, A288fs, A292fs, A321fs, A99fs.
Identifiers: ClinVar variation 5011259 (VCV005011259.1).

ClinVar aggregate classification (germline): Pathogenic (1 of 4 stars; one submission).

Conditions:
Medium-chain acyl-coenzyme A dehydrogenase deficiency (ACADMD). Also called: ACADM DEFICIENCY; CARNITINE DEFICIENCY SECONDARY TO MEDIUM-CHAIN ACYL-CoA DEHYDROGENASE DEFICIENCY; MCADH DEFICIENCY; MCADD; Medium chain acyl-CoA dehydrogenase deficiency; MCAD Deficiency. Identifiers: Orphanet 42, MedGen C0220710, MONDO:0008721, OMIM 201450.

Submission:

Myriad Genetics, Inc.
Classification: Pathogenic for Medium-chain acyl-coenzyme A dehydrogenase deficiency. Last evaluated: 2023-08-07. Review status: criteria provided, single submitter. Criteria: Myriad Autosomal Dominant, Autosomal Recessive and X-Linked Classification Criteria (2023). Collection method: clinical testing. Allele origin: unknown.
Comment: NM_000016.4(ACADM):c.861_862ins13(A288Cfs*15) is expected to be pathogenic in the context of medium-chain acyl-CoA dehydrogenase deficiency. This variant is predicted to lead to an abnormal or absent protein product due to the creation of a premature termination codon in ACADM, a gene where loss-of-function variants are known to be pathogenic. Please note: this variant was assessed in the context of healthy population screening.